The following is an entry in ClinVar:

NM_005591.4(MRE11):c.800G>A (p.Gly267Glu)

Gene: MRE11 (MRE11 double strand break repair nuclease; minus strand). Cytogenetic location: 11q21.
Variant type: single nucleotide variant.
Coding change: c.800G>A on transcript NM_005591.4 (MANE Select); coding-DNA position 800, G replaced by A.
Protein change: p.Gly267Glu; replaces glycine 267 with glutamic acid.
Molecular consequence: missense variant.
Genome position (GRCh38, 1-based): chr11:94,471,619, C>T on the plus strand (G>A on the coding strand, the complement: MRE11 is on the minus strand). VCF-style: chr11-94471619-C-T. GRCh37 (hg19) VCF-style: chr11-94204785-C-T.
Other names: c.800G>A, p.Gly267Glu (NM_001330347.2, NM_005590.4); short protein forms G267E.
Identifiers: ClinVar variation 827388 (VCV000827388.5), dbSNP rs1591694981, ClinGen allele CA382375579.
Genomic context (GRCh38, chr11:94,471,619, plus strand): 5'-ATATATAACACTCACTTCTTTACAGCTTCTCCTGGGGAAAGAGAAGTAACCACTGAGCTT[C>T]CAGGTTGTGAGATATAAAACAGCTGTTGTTCATTTTTGGTTGGAGCTATTTTACACTCAT-3'
Protein context (NP_005582.1, residues 257-277): EQQLFYISQP[Gly267Glu]SSVVTSLSPG

ClinVar aggregate classification (germline): Uncertain significance (1 of 4 stars; one submission).

Conditions:
Hereditary cancer-predisposing syndrome. Also called: Neoplastic Syndromes, Hereditary; Tumor predisposition; Hereditary neoplastic syndrome; Hereditary Cancer Syndrome. Identifiers: Orphanet 140162, MedGen C0027672, MeSH D009386, MONDO:0015356.

Submission:

Ambry Genetics
Classification: Uncertain significance for Hereditary cancer-predisposing syndrome. Last evaluated: 2022-12-07. Review status: criteria provided, single submitter. Criteria: Ambry Variant Classification Scheme 2023. Collection method: clinical testing. Allele origin: germline.
Comment: The p.G267E variant (also known as c.800G>A), located in coding exon 7 of the MRE11A gene, results from a G to A substitution at nucleotide position 800. The glycine at codon 267 is replaced by glutamic acid, an amino acid with similar properties. This amino acid position is highly conserved in available vertebrate species. In addition, this alteration is predicted to be deleterious by in silico analysis. Since supporting evidence is limited at this time, the clinical significance of this alteration remains unclear.